The following is an entry in ClinVar:

ClinVar aggregate classification (germline): Benign/Likely benign. Review status: criteria provided, multiple submitters, no conflicts (2 of 4 stars). 2 submissions from 2 submitters: Benign (1); Likely benign (1). Last evaluated 2023-12-05.

Conditions:
Vesicoureteral reflux 2 (VUR2). Identifiers: Orphanet 289365, MedGen C1970483, MONDO:0012573, OMIM 610878.

Allele frequency attached by ClinVar (database versions not stated): gnomAD exomes below 0.00001 and 0.00001; TOPMed 0.00001; ExAC 0.00002.

Submissions (2):

Labcorp Genetics (formerly Invitae), Labcorp
Classification: Likely benign. Last evaluated: 2023-12-05. Review status: criteria provided, single submitter. Criteria: Invitae Variant Classification Sherloc (09022015). Collection method: clinical testing. Allele origin: germline.

Illumina Laboratory Services, Illumina
Classification: Benign for Vesicoureteral reflux 2. Last evaluated: 2018-01-12. Review status: criteria provided, single submitter. Criteria: ICSL Variant Classification Criteria 13 December 2019. Collection method: clinical testing. Allele origin: germline.
Comment: This variant was observed in the ICSL laboratory as part of a predisposition screen in an ostensibly healthy population. It had not been previously curated by ICSL or reported in the Human Gene Mutation Database (HGMD: prior to June 1st, 2018), and was therefore a candidate for classification through an automated scoring system. Utilizing variant allele frequency, disease prevalence and penetrance estimates, and inheritance mode, an automated score was calculated to assess if this variant is too frequent to cause the disease. Based on the score and internal cut-off values, a variant classified as benign is not then subjected to further curation. The score for this variant resulted in a classification of benign for this disease.

NM_001395656.1(ROBO2):c.3675C>T (p.Ala1225=)

Gene: ROBO2 (roundabout guidance receptor 2; plus strand). Cytogenetic location: 3p12.3.
Variant type: single nucleotide variant.
Coding change: c.3675C>T on transcript NM_001395656.1 (MANE Select); coding-DNA position 3675, C replaced by T.
Protein change: p.Ala1225=; no amino-acid change (alanine 1225 retained).
Molecular consequence: synonymous variant.
Genome position (GRCh38, 1-based): chr3:77,622,335, C>T. VCF-style: chr3-77622335-C-T. GRCh37 (hg19) VCF-style: chr3-77671486-C-T.
Other names: c.3711C>T, p.Ala1237= (NM_001128929.3); c.3675C>T, p.Ala1225= (NM_001290039.2, NM_001290040.2); c.1884C>T, p.Ala628= (NM_001290065.2); c.3723C>T, p.Ala1241= (NM_001378190.1, NM_001378200.1, NM_001378201.1 and 1 more transcripts); c.3849C>T, p.Ala1283= (NM_001378191.1, NM_001378195.1, NM_001378196.1); c.3744C>T, p.Ala1248= (NM_001378192.1, NM_001378198.1, NM_001378199.1); c.3663C>T, p.Ala1221= (NM_001378193.1, NM_002942.5); c.3861C>T, p.Ala1287= (NM_001378194.1); and 5 more.
Identifiers: ClinVar variation 346708 (VCV000346708.9), dbSNP rs774727452, ClinGen allele CA2497704.